The following is an entry in ClinVar:

ClinVar aggregate classification (germline): Pathogenic. Review status: criteria provided, multiple submitters, no conflicts (2 of 4 stars). 10 submissions from 10 submitters: Pathogenic (9). 1 of the submissions does not count toward it. Last evaluated 2025-04-13.

Conditions:
Nephrotic syndrome, type 2 (NPHS2). Also called: NEPHROTIC SYNDROME, STEROID-RESISTANT, AUTOSOMAL RECESSIVE. Identifiers: Orphanet 656, MedGen C1868672, MONDO:0010974, OMIM 600995.
Steroid-resistant nephrotic syndrome. Identifiers: MedGen C0403397, MONDO:0044765, HP:0012588.

Allele frequency attached by ClinVar (database versions not stated): gnomAD 0.00003 and 0.00001; gnomAD exomes 0.00005 and 0.00001; TOPMed 0.00002; ExAC 0.00002.

Submissions (10):

Natera, Inc.
Classification: Pathogenic for Steroid-resistant nephrotic syndrome. Last evaluated: 2025-04-13. Review status: criteria provided, single submitter. Criteria: Natera Variant Classification Schema (03/2026). Collection method: clinical testing. Allele origin: germline.
Comment: The c.948delT variant in NPHS2 is a frameshift variant predicted to shift the reading frame beginning at codon 317 and leads to a stop codon 31 codons downstream. This variant is expected to result in nonsense mediated decay, truncation, or a dysfunctional protein product. This variant is rare in the general population with a frequency below the threshold expected for the associated phenotype(s). This variant has been observed in one or more individuals affected with the associated recessive disease, as either homozygous or compound heterozygous with a second variant (PMID: 15015071, 14978175). Given the available evidence, this variant is classified as Pathogenic.

Institute of Human Genetics, University of Leipzig Medical Center
Classification: Pathogenic for Nephrotic syndrome, type 2. Last evaluated: 2024-10-30. Review status: criteria provided, single submitter. Criteria: ACMG Guidelines, 2015. Collection method: clinical testing. Allele origin: unknown. Inheritance: Autosomal recessive inheritance. Affected: yes.
Comment: Criteria applied: PVS1_STR,PM3_STR,PM2; Identified as compound heterozygous with NM_014625.4:c.868G>A

Baylor Genetics
Classification: Pathogenic for Nephrotic syndrome, type 2. Last evaluated: 2024-03-22. Review status: criteria provided, single submitter. Criteria: ACMG Guidelines, 2015. Collection method: clinical testing. Allele origin: unknown.

Fulgent Genetics
Classification: Pathogenic for Nephrotic syndrome, type 2. Last evaluated: 2024-03-09. Review status: criteria provided, single submitter. Criteria: ACMG Guidelines, 2015. Collection method: clinical testing. Allele origin: germline.

Labcorp Genetics (formerly Invitae), Labcorp
Classification: Pathogenic. Last evaluated: 2023-11-27. Review status: criteria provided, single submitter. Criteria: Invitae Variant Classification Sherloc (09022015). Collection method: clinical testing. Allele origin: germline.
Comment: This sequence change creates a premature translational stop signal (p.Ala317Leufs*31) in the NPHS2 gene. While this is not anticipated to result in nonsense mediated decay, it is expected to disrupt the last 67 amino acid(s) of the NPHS2 protein. This variant is present in population databases (rs775170915, gnomAD 0.004%). This premature translational stop signal has been observed in individuals with steroid-resistant nephrotic syndrome (PMID: 14978175, 18443213, 23242530). This variant is also known as p.L347X. ClinVar contains an entry for this variant (Variation ID: 188990). For these reasons, this variant has been classified as Pathogenic.

Genome-Nilou Lab
Classification: Pathogenic for Nephrotic syndrome, type 2. Last evaluated: 2023-04-11. Review status: criteria provided, single submitter. Criteria: ACMG Guidelines, 2015. Collection method: clinical testing. Allele origin: germline. Affected: no.

Women's Health and Genetics/Laboratory Corporation of America, LabCorp
Classification: Pathogenic for Idiopathic nephrotic syndrome. Last evaluated: 2020-05-17. Review status: criteria provided, single submitter. Criteria: LabCorp Variant Classification Summary - May 2015. Collection method: clinical testing. Allele origin: germline.
Comment: Variant summary: NPHS2 c.948delT (p.Ala317LeufsX31) results in a premature termination codon, predicted to cause a truncation of the encoded protein or absence of the protein due to nonsense mediated decay, which are commonly known mechanisms for disease. The variant allele was found at a frequency of 1.2e-05 in 251028 control chromosomes. c.948delT has been reported in the literature in multiple individuals affected with Nephrotic Syndrome, Type 2, also known as Steroid-resistant nephrotic syndrome type 2 (example, Ruf_2004, Billing_2004, Hinkes_2008, Lwik_2008). These data indicate that the variant is very likely to be associated with disease. To our knowledge, no experimental evidence demonstrating an impact on protein function has been reported. Three clinical diagnostic laboratories have submitted clinical-significance assessments for this variant to ClinVar after 2014 without evidence for independent evaluation. All laboratories classified the variant as pathogenic. Based on the evidence outlined above, the variant was classified as pathogenic.

GeneDx
Classification: Pathogenic. Last evaluated: 2018-11-19. Review status: criteria provided, single submitter. Criteria: GeneDx Variant Classification (06012015). Collection method: clinical testing. Allele origin: germline. Affected: yes.
Comment: The c.948delT variant in the NPHS2 gene has been reported previously in the compound heterozygous state with a second NPHS2 variant in individuals with steroid-resistant nephrotic syndrome (Lowik et al., 2008; Kerti et al., 2013). The c.948delT variant causes a frameshift starting with codon Alanine 317, changes this amino acid to a Leucine residue, and creates a premature Stop codon at position 31 of the new reading frame, denoted p.Ala317LeufsX31. This variant is predicted to cause loss of normal protein function through protein truncation, as the last 67 amino acids are lost and replaced with 30 incorrect amino acids. The c.948delT variant is observed in 1/24,024 (0.004%) alleles from individuals of African background and 4/276,734 (0.001%) total alleles in large population cohorts (Lek et al., 2016). We interpret c.948delT as a pathogenic variant.

Athena Diagnostics
Classification: Pathogenic. Last evaluated: 2016-11-01. Review status: criteria provided, single submitter. Criteria: Athena Diagnostics Criteria. Collection method: clinical testing. Allele origin: germline.

Counsyl
Classification: Pathogenic for Nephrotic syndrome, type 2. Last evaluated: 2018-03-02. Review status: no assertion criteria provided. Collection method: clinical testing. Allele origin: unknown. Not counted in ClinVar's aggregate classification.

Literature cited by the submitters: PubMed 15015071 (cited by 4 submitters); PubMed 14978175 (cited by 5 submitters); PubMed 18443213 (cited by 4 submitters); PubMed 23242530 (cited by 3 submitters); PubMed 15327385 (cited by Women's Health and Genetics/Laboratory Corporation of America, LabCorp and Counsyl); PubMed 18216321 (cited by Women's Health and Genetics/Laboratory Corporation of America, LabCorp and Counsyl); PubMed 17371932 (cited by Athena Diagnostics).

NM_014625.4(NPHS2):c.948del (p.Ala317fs)

Genes: NPHS2 (NPHS2 stomatin family member, podocin; minus strand), AXDND1 (axonemal dynein light chain domain containing 1; plus strand). Cytogenetic location: 1q25.2.
Variant type: Deletion.
Coding change: c.948del on transcript NM_014625.4 (MANE Select); coding-DNA position 948, one base deleted (T; older notation c.948delT).
Protein change: p.Ala317fs; shifts the reading frame from alanine 317.
Molecular consequence: frameshift variant. On other transcripts: intron variant (1).
Genome position (GRCh38, 1-based): chr1:179,551,377, A deleted on the plus strand (T on the coding strand, the reverse complement: NPHS2 is on the minus strand). VCF-style (leftmost placement, unchanged base first): chr1-179551376-CA-C. GRCh37 (hg19) VCF-style: chr1-179520511-CA-C.
Other names: c.744del, p.Ala249fs (NM_001297575.2); c.948delT, p.Ala317Leufs (NM_014625.3); c.3032-3135del (NM_144696.6); short protein forms A317fs, A249fs.
Identifiers: ClinVar variation 188990 (VCV000188990.22), dbSNP rs775170915, ClinGen allele CA199110.